The following is an entry in ClinVar:

NM_000391.4(TPP1):c.197A>T (p.Gln66Leu)

Gene: TPP1 (tripeptidyl peptidase 1; minus strand). Cytogenetic location: 11p15.4.
Variant type: single nucleotide variant.
Coding change: c.197A>T on transcript NM_000391.4 (MANE Select); coding-DNA position 197, A replaced by T.
Protein change: p.Gln66Leu; replaces glutamine 66 with leucine.
Molecular consequence: missense variant.
Genome position (GRCh38, 1-based): chr11:6,618,808, T>A on the plus strand (A>T on the coding strand, the complement: TPP1 is on the minus strand). VCF-style: chr11-6618808-T-A. GRCh37 (hg19) VCF-style: chr11-6640039-T-A.
Other names: p.Q66L:CAG>CTG; short protein forms Q66L.
Identifiers: ClinVar variation 207565 (VCV000207565.30), dbSNP rs751088292, ClinGen allele CA319158.
Genomic context (GRCh38, chr11:6,618,808, plus strand): 5'-ACATCCTGTCCTCAGTCCCAAAAGGCACCGTATTGAGGAGAGCTGGGATCCGACACAGCC[T>A]GCACCAGCTCCGAGAGTCTTTCCACATTCTGCTGTCTCAGGGCAAAGGTGAGACTCAGCT-3'
Protein context (NP_000382.3, residues 56-76): QNVERLSELV[Gln66Leu]AVSDPSSPQY

ClinVar aggregate classification (germline): Conflicting classifications of pathogenicity. Review status: criteria provided, conflicting classifications (1 of 4 stars). 5 submissions from 5 submitters: Uncertain significance (3); Likely benign (1). 1 of the submissions does not count toward it. Last evaluated 2023-01-01.

Conditions:
Inborn genetic diseases. Identifiers: MedGen C0950123, MeSH D030342.
Neuronal ceroid lipofuscinosis 2. Also called: JANSKY-BIELSCHOWSKY DISEASE NEURONAL CEROID LIPOFUSCINOSIS, LATE INFANTILE; TPP1-Related Neuronal Ceroid-Lipofuscinosis. Identifiers: Orphanet 168491, Orphanet 228349, Orphanet 79264, MedGen C1876161, MONDO:0008769, OMIM 204500.

Allele frequency attached by ClinVar (database versions not stated): ExAC 0.00002; gnomAD exomes below 0.00001 and 0.00001; TOPMed 0.00001.
gnomAD v4.1: 4 of 1,614,040 alleles (0.00025%); highest among the groups gnomAD compares: Non-Finnish European, 0.00034%; no homozygotes.

Submissions (5):

CeGaT Center for Human Genetics Tuebingen
Classification: Likely benign. Last evaluated: 2023-01-01. Review status: criteria provided, single submitter. Criteria: CeGaT Center For Human Genetics Tuebingen Variant Classification Criteria Version 2. Collection method: clinical testing. Allele origin: germline. Affected: yes. Observed: 1 variant allele.
Comment: TPP1: BP4

Labcorp Genetics (formerly Invitae), Labcorp
Classification: Uncertain significance. Last evaluated: 2022-08-31. Review status: criteria provided, single submitter. Criteria: Invitae Variant Classification Sherloc (09022015). Collection method: clinical testing. Allele origin: germline.
Comment: This sequence change replaces glutamine, which is neutral and polar, with leucine, which is neutral and non-polar, at codon 66 of the TPP1 protein (p.Gln66Leu). This variant is present in population databases (rs751088292, gnomAD 0.003%). This variant has not been reported in the literature in individuals affected with TPP1-related conditions. ClinVar contains an entry for this variant (Variation ID: 207565). Advanced modeling of protein sequence and biophysical properties (such as structural, functional, and spatial information, amino acid conservation, physicochemical variation, residue mobility, and thermodynamic stability) performed at Invitae indicates that this missense variant is not expected to disrupt TPP1 protein function. In summary, the available evidence is currently insufficient to determine the role of this variant in disease. Therefore, it has been classified as a Variant of Uncertain Significance.

Ambry Genetics
Classification: Uncertain significance for Inborn genetic diseases. Last evaluated: 2017-08-28. Review status: criteria provided, single submitter. Criteria: Ambry Variant Classification Scheme 2023. Collection method: clinical testing. Allele origin: germline.
Comment: The p.Q66L variant (also known as c.197A>T), located in coding exon 3 of the TPP1 gene, results from an A to T substitution at nucleotide position 197. The glutamine at codon 66 is replaced by leucine, an amino acid with dissimilar properties. This amino acid position is highly conserved in available vertebrate species. In addition, the in silico prediction for this alteration is inconclusive. Since supporting evidence is limited at this time, the clinical significance of this alteration remains unclear.

GeneDx
Classification: Uncertain significance. Last evaluated: 2014-02-06. Review status: criteria provided, single submitter. Criteria: GeneDx Variant Classification (06012015). Collection method: clinical testing. Allele origin: germline. Affected: yes.
Comment: p.Gln66Leu (CAG>CTG): c.197 A>T in exon 3 of the TPP1 gene (NM_000391.3)A variant of unknown significance has been identified in the TPP1 gene. The Q66L variant has not been published as a mutation, nor has it been reported as a benign polymorphism to our knowledge. It was not observed in approximately 6,500 individuals of European and African American ancestry in the NHLBI Exome Sequencing Project, indicating it is not a common benign variant in these populations. The Q66L variant is a non-conservative amino acid substitution, which is likely to impact secondary protein structure as these residues differ in polarity, charge, size and/or other properties. This substitution occurs at a position that is conserved across species. However, in silico analysis predicts the Q66L variant likely does not alter the protein structure/function. Therefore, based on the currently available information, it is unclear whether this variant is a pathogenic mutation or a rare benign variant.The variant is found in EPILEPSYV2-1 panel(s).

Natera, Inc.
Classification: Uncertain significance for Neuronal ceroid lipofuscinosis 2. Last evaluated: 2019-11-11. Review status: no assertion criteria provided. Collection method: clinical testing. Allele origin: germline. Not counted in ClinVar's aggregate classification.